The following is an entry in ClinVar:

NM_006939.4(SOS2):c.2786-6del

Gene: SOS2 (SOS Ras/Rho guanine nucleotide exchange factor 2; minus strand). Cytogenetic location: 14q21.3.
Variant type: Deletion.
Coding change: c.2786-6del on transcript NM_006939.4 (MANE Select); 6 bases into the intron before coding-DNA position 2786, one base deleted (T; older notation c.2786-6delT).
Molecular consequence: intron variant.
Genome position (GRCh38, 1-based): chr14:50,138,790, A deleted on the plus strand (T on the coding strand, the reverse complement: SOS2 is on the minus strand); the first of 13 consecutive A bases (chr14:50,138,790-50,138,802); deleting any one gives the same sequence. VCF-style (leftmost placement, unchanged base first): chr14-50138789-TA-T. GRCh37 (hg19) VCF-style: chr14-50605507-TA-T.
Other names: p.?.
Identifiers: ClinVar variation 918120 (VCV000918120.16), dbSNP rs201957103, ClinGen allele CA7176936.

ClinVar aggregate classification (germline): Benign/Likely benign. Review status: criteria provided, multiple submitters, no conflicts (2 of 4 stars). 6 submissions from 6 submitters: Benign (5); Likely benign (1). Last evaluated 2026-02-03.

Conditions:
Noonan syndrome 9 (NS9). Identifiers: Orphanet 648, MedGen C4225282, MONDO:0014691, OMIM 616559.

Submissions (6):

Labcorp Genetics (formerly Invitae), Labcorp
Classification: Benign for Noonan syndrome 9. Last evaluated: 2026-02-03. Review status: criteria provided, single submitter. Criteria: Invitae Variant Classification Sherloc (09022015). Collection method: clinical testing. Allele origin: germline.

Blueprint Genetics
Classification: Likely benign. Last evaluated: 2024-11-27. Review status: criteria provided, single submitter. Criteria: ACMG Guidelines, 2015. Collection method: clinical testing. Allele origin: germline.

Mayo Clinic Laboratories, Mayo Clinic
Classification: Benign. Last evaluated: 2022-04-26. Review status: criteria provided, single submitter. Criteria: ACMG Guidelines, 2015. Collection method: clinical testing. Allele origin: germline. Observed: 383 variant alleles.

Women's Health and Genetics/Laboratory Corporation of America, LabCorp
Classification: Benign. Last evaluated: 2020-03-23. Review status: criteria provided, single submitter. Criteria: LabCorp Variant Classification Summary - May 2015. Collection method: clinical testing. Allele origin: germline.
Comment: Variant summary: SOS2 c.2786-6delT alters a non-conserved nucleotide located close to a canonical splice site and therefore could affect mRNA splicing, leading to a significantly altered protein sequence. 4/4 computational tools predict no significant impact on normal splicing. However, these predictions have yet to be confirmed by functional studies. The variant allele was found at a frequency of 0.23 in 31004 control chromosomes in the gnomAD database, including 9 homozygotes. The observed variant frequency is approximately 92155 fold of the estimated maximal expected allele frequency for a pathogenic variant in SOS2 causing Noonan Syndrome and Related Conditions phenotype (2.5e-06), strongly suggesting that the variant is benign. To our knowledge, no occurrence of c.2786-6delT in individuals affected with Noonan Syndrome and Related Conditions and no experimental evidence demonstrating its impact on protein function have been reported. No clinical diagnostic laboratories have submitted clinical-significance assessments for this variant to ClinVar after 2014. Based on the evidence outlined above, the variant was classified as benign.

GeneDx
Classification: Benign. Last evaluated: 2019-08-10. Review status: criteria provided, single submitter. Criteria: GeneDx Variant Classification Process June 2021. Collection method: clinical testing. Allele origin: germline. Affected: yes.

Genome-Nilou Lab
Classification: Benign for Noonan syndrome 9. Review status: criteria provided, single submitter. Criteria: ACMG Guidelines, 2015. Collection method: clinical testing. Allele origin: germline.